The following is an entry in ClinVar:

ClinVar aggregate classification (germline): Uncertain significance. Review status: criteria provided, multiple submitters, no conflicts (2 of 4 stars). 2 submissions from 2 submitters: Uncertain significance (2). Last evaluated 2024-06-01.

Conditions:
Van Maldergem syndrome 2 (VMLDS2). Identifiers: Orphanet 314679, MedGen C3809875, MONDO:0014242, OMIM 615546.
Hennekam lymphangiectasia-lymphedema syndrome 2 (HKLLS2). Identifiers: Orphanet 2136, MedGen C4014939, MONDO:0014454, OMIM 616006.

Allele frequency attached by ClinVar (database versions not stated): gnomAD exomes below 0.00001 and 0.00002; ExAC 0.00001; gnomAD 0.00002; TOPMed 0.00002.
gnomAD v4.1: 26 of 1,614,048 alleles (0.0016%); highest among the groups gnomAD compares: African/African-American, 0.0027%; no homozygotes.

Submissions (2):

Fulgent Genetics
Classification: Uncertain significance for Van Maldergem syndrome 2; Hennekam lymphangiectasia-lymphedema syndrome 2. Last evaluated: 2024-06-01. Review status: criteria provided, single submitter. Criteria: ACMG Guidelines, 2015. Collection method: clinical testing. Allele origin: germline.

Labcorp Genetics (formerly Invitae), Labcorp
Classification: Uncertain significance. Last evaluated: 2022-06-20. Review status: criteria provided, single submitter. Criteria: Invitae Variant Classification Sherloc (09022015). Collection method: clinical testing. Allele origin: germline.
Comment: This sequence change replaces arginine, which is basic and polar, with glycine, which is neutral and non-polar, at codon 4892 of the FAT4 protein (p.Arg4892Gly). This variant is present in population databases (rs780871857, gnomAD 0.0009%). This variant has not been reported in the literature in individuals affected with FAT4-related conditions. Advanced modeling of protein sequence and biophysical properties (such as structural, functional, and spatial information, amino acid conservation, physicochemical variation, residue mobility, and thermodynamic stability) performed at Invitae indicates that this missense variant is not expected to disrupt FAT4 protein function. In summary, the available evidence is currently insufficient to determine the role of this variant in disease. Therefore, it has been classified as a Variant of Uncertain Significance.

NM_001291303.3(FAT4):c.14680A>G (p.Arg4894Gly)

Gene: FAT4 (FAT atypical cadherin 4; plus strand). Cytogenetic location: 4q28.1.
Variant type: single nucleotide variant.
Coding change: c.14680A>G on transcript NM_001291303.3 (MANE Select); coding-DNA position 14680, A replaced by G.
Protein change: p.Arg4894Gly; replaces arginine 4894 with glycine.
Molecular consequence: missense variant.
Genome position (GRCh38, 1-based): chr4:125,491,496, A>G. VCF-style: chr4-125491496-A-G. GRCh37 (hg19) VCF-style: chr4-126412651-A-G.
Other names: c.14677A>G, p.Arg4893Gly (NM_001291285.3); c.14674A>G, p.Arg4892Gly (NM_024582.6); c.14674A>G (NM_024582.5); short protein forms R4892G, R4893G, R4894G.
Identifiers: ClinVar variation 1441435 (VCV001441435.4), dbSNP rs780871857, ClinGen allele CA3074604.
Genomic context (GRCh38, chr4:125,491,496, plus strand): 5'-CAAGTCAATGAATCTGATGCAGATGATGAAGATAATTATGGAGCCAGACTGAAGCCTCGA[A>G]GGTACCACGGTCGCAGGGCCGAGGGAGGACCTGTGGGCACCCAGGCAGCAGCACCAGGCA-3'
Protein context (NP_001278232.1, residues 4884-4904): DNYGARLKPR[Arg4894Gly]YHGRRAEGGP